The following is an entry in ClinVar:

ClinVar aggregate classification (germline): Uncertain significance. Review status: criteria provided, multiple submitters, no conflicts (2 of 4 stars). 2 submissions from 2 submitters: Uncertain significance (2). Last evaluated 2025-06-21.

Conditions:
Inborn genetic diseases. Identifiers: MedGen C0950123, MeSH D030342.

Submissions (2):

Ambry Genetics
Classification: Uncertain significance for Inborn genetic diseases. Last evaluated: 2025-06-21. Review status: criteria provided, single submitter. Criteria: Ambry Variant Classification Scheme 2023. Collection method: clinical testing. Allele origin: germline.
Comment: The p.G31R variant (also known as c.91G>A), located in coding exon 1 of the ANKRD26 gene, results from a G to A substitution at nucleotide position 91. The glycine at codon 31 is replaced by arginine, an amino acid with dissimilar properties. This amino acid position is conserved. In addition, this alteration is predicted to be tolerated by in silico analysis. Based on the available evidence, the clinical significance of this variant remains unclear.

Labcorp Genetics (formerly Invitae), Labcorp
Classification: Uncertain significance. Last evaluated: 2025-05-13. Review status: criteria provided, single submitter. Criteria: Invitae Variant Classification Sherloc (09022015). Collection method: clinical testing. Allele origin: germline.
Comment: This sequence change replaces glycine, which is neutral and non-polar, with arginine, which is basic and polar, at codon 31 of the ANKRD26 protein (p.Gly31Arg). This variant is not present in population databases (gnomAD no frequency). This variant has not been reported in the literature in individuals affected with ANKRD26-related conditions. An algorithm developed to predict the effect of missense changes on protein structure and function outputs the following: PolyPhen-2: "Possibly Damaging". The arginine amino acid residue is found in multiple mammalian species, which suggests that this missense change does not adversely affect protein function. In summary, the available evidence is currently insufficient to determine the role of this variant in disease. Therefore, it has been classified as a Variant of Uncertain Significance.

NM_014915.3(ANKRD26):c.91G>A (p.Gly31Arg)

Genes: ANKRD26 (ankyrin repeat domain 26; minus strand), LOC130003554 (ATAC-STARR-seq lymphoblastoid silent region 2243; plus strand). Cytogenetic location: 10p12.1.
Variant type: single nucleotide variant.
Coding change: c.91G>A on transcript NM_014915.3 (MANE Select); coding-DNA position 91, G replaced by A.
Protein change: p.Gly31Arg; replaces glycine 31 with arginine.
Molecular consequence: missense variant.
Genome position (GRCh38, 1-based): chr10:27,100,236, C>T on the plus strand (G>A on the coding strand, the complement: ANKRD26 is on the minus strand). VCF-style: chr10-27100236-C-T. GRCh37 (hg19) VCF-style: chr10-27389165-C-T.
Other names: c.91G>A, p.Gly31Arg (NM_001256053.2); short protein forms G31R.
Identifiers: ClinVar variation 4102498 (VCV004102498.2).